The following is an entry in ClinVar:

NM_000038.6(APC):c.6037C>T (p.His2013Tyr)

Gene: APC (APC regulator of Wnt signaling pathway; plus strand). Cytogenetic location: 5q22.2.
Variant type: single nucleotide variant.
Coding change: c.6037C>T on transcript NM_000038.6 (MANE Select); coding-DNA position 6037, C replaced by T.
Protein change: p.His2013Tyr; replaces histidine 2013 with tyrosine.
Molecular consequence: missense variant.
Genome position (GRCh38, 1-based): chr5:112,841,631, C>T. VCF-style: chr5-112841631-C-T. GRCh37 (hg19) VCF-style: chr5-112177328-C-T.
Other names: c.6037C>T, p.His2013Tyr (NM_001127510.3, NM_001354895.2); c.5983C>T, p.His1995Tyr (NM_001127511.3); c.6091C>T, p.His2031Tyr (NM_001354896.2); c.6067C>T, p.His2023Tyr (NM_001354897.2); c.5962C>T, p.His1988Tyr (NM_001354898.2); c.5953C>T, p.His1985Tyr (NM_001354899.2); c.5914C>T, p.His1972Tyr (NM_001354900.2); c.5860C>T, p.His1954Tyr (NM_001354901.2); and 5 more; short protein forms H2013Y, H1995Y, H1853Y, H1887Y, H1972Y, H1985Y, H2031Y, H1954Y.
Identifiers: ClinVar variation 411354 (VCV000411354.19), dbSNP rs756213379, ClinGen allele CA043818.

ClinVar aggregate classification (germline): Uncertain significance. Review status: criteria provided, multiple submitters, no conflicts (2 of 4 stars). 3 submissions from 3 submitters: Uncertain significance (3). Last evaluated 2025-08-13.

Conditions:
Familial adenomatous polyposis 1 (FAP1). Also called: FAMILIAL ADENOMATOUS POLYPOSIS 1, ATTENUATED; POLYPOSIS, ADENOMATOUS INTESTINAL. Identifiers: MedGen C2713442, MONDO:0021056, OMIM 175100. Disease mechanism: loss of function.
Hereditary cancer-predisposing syndrome. Also called: Tumor predisposition; Hereditary Cancer Syndrome; Hereditary neoplastic syndrome; Neoplastic Syndromes, Hereditary. Identifiers: Orphanet 140162, MedGen C0027672, MeSH D009386, MONDO:0015356.

Allele frequency attached by ClinVar (database versions not stated): gnomAD exomes below 0.00001; TOPMed below 0.00001; ExAC 0.00001.
gnomAD v4.1: 2 of 1,613,352 alleles (0.00012%); highest among the groups gnomAD compares: Non-Finnish European, 0.000085%; no homozygotes.

Submissions (3):

Labcorp Genetics (formerly Invitae), Labcorp
Classification: Uncertain significance for Familial adenomatous polyposis 1. Last evaluated: 2025-08-13. Review status: criteria provided, single submitter. Criteria: Invitae Variant Classification Sherloc (09022015). Collection method: clinical testing. Allele origin: germline.
Comment: This sequence change replaces histidine, which is basic and polar, with tyrosine, which is neutral and polar, at codon 2013 of the APC protein (p.His2013Tyr). This variant is present in population databases (rs756213379, gnomAD 0.01%). This variant has not been reported in the literature in individuals affected with APC-related conditions. ClinVar contains an entry for this variant (Variation ID: 411354). Invitae Evidence Modeling of protein sequence and biophysical properties (such as structural, functional, and spatial information, amino acid conservation, physicochemical variation, residue mobility, and thermodynamic stability) indicates that this missense variant is not expected to disrupt APC protein function with a negative predictive value of 95%. In summary, the available evidence is currently insufficient to determine the role of this variant in disease. Therefore, it has been classified as a Variant of Uncertain Significance.

Ambry Genetics
Classification: Uncertain significance for Hereditary cancer-predisposing syndrome. Last evaluated: 2023-04-28. Review status: criteria provided, single submitter. Criteria: Ambry Variant Classification Scheme 2023. Collection method: clinical testing. Allele origin: germline.
Comment: The p.H2013Y variant (also known as c.6037C>T), located in coding exon 15 of the APC gene, results from a C to T substitution at nucleotide position 6037. The histidine at codon 2013 is replaced by tyrosine, an amino acid with similar properties. This amino acid position is highly conserved in available vertebrate species. In addition, in silico predictors for this gene do not accurately predict pathogenicity. Since supporting evidence is limited at this time, the clinical significance of this alteration remains unclear.

Color Diagnostics, LLC DBA Color Health
Classification: Uncertain significance for Hereditary cancer-predisposing syndrome. Last evaluated: 2019-05-24. Review status: criteria provided, single submitter. Criteria: ACMG Guidelines, 2015. Collection method: clinical testing. Allele origin: germline.